The following is an entry in ClinVar:

ClinVar aggregate classification (germline): Uncertain significance (1 of 4 stars; one submission).

Allele frequency attached by ClinVar (database versions not stated): gnomAD exomes 0.00001 and 0.00002; TOPMed 0.00001.
gnomAD v4.1: 14 of 1,614,086 alleles (0.00087%); highest among the groups gnomAD compares: East Asian, 0.0045%; no homozygotes.

Submission:

GeneDx
Classification: Uncertain significance. Last evaluated: 2019-04-04. Review status: criteria provided, single submitter. Criteria: GeneDx Variant Classification Process June 2021. Collection method: clinical testing. Allele origin: germline. Affected: yes.
Comment: Has not been previously published as pathogenic or benign to our knowledge; In silico analysis, which includes protein predictors and evolutionary conservation, supports a deleterious effect; Not observed at a significant frequency in large population cohorts (Lek et al., 2016); Although located in a calcium-binding EGF-like domain of the FBN2 gene, it does not affect a cysteine residue within this domain; cysteine substitutions in the calcium-binding EGF-like domains represent the majority of pathogenic missense changes associated with FBN2 related disorders (Collod-Beroud et al., 2003; Frederic et al., 2009).

NM_001999.4(FBN2):c.4343C>T (p.Ser1448Leu)

Gene: FBN2 (fibrillin 2; minus strand). Cytogenetic location: 5q23.3.
Variant type: single nucleotide variant.
Coding change: c.4343C>T on transcript NM_001999.4 (MANE Select); coding-DNA position 4343, C replaced by T.
Protein change: p.Ser1448Leu; replaces serine 1448 with leucine.
Molecular consequence: missense variant.
Genome position (GRCh38, 1-based): chr5:128,330,575, G>A on the plus strand (C>T on the coding strand, the complement: FBN2 is on the minus strand). VCF-style: chr5-128330575-G-A. GRCh37 (hg19) VCF-style: chr5-127666267-G-A.
Other names: short protein forms S1448L.
Identifiers: ClinVar variation 1308524 (VCV001308524.2), dbSNP rs1222584747, ClinGen allele CA360753790.